The following is an entry in ClinVar:

ClinVar aggregate classification (germline): Pathogenic (1 of 4 stars; one submission).

Conditions:
Bardet-Biedl syndrome (BBS). Identifiers: Orphanet 110, MedGen C0752166, MONDO:0015229.

Submission:

Labcorp Genetics (formerly Invitae), Labcorp
Classification: Pathogenic for Bardet-Biedl syndrome. Last evaluated: 2023-04-16. Review status: criteria provided, single submitter. Criteria: Invitae Variant Classification Sherloc (09022015). Collection method: clinical testing. Allele origin: germline.
Comment: For these reasons, this variant has been classified as Pathogenic. This sequence change creates a premature translational stop signal (p.Glu549Glyfs*30) in the BBS1 gene. While this is not anticipated to result in nonsense mediated decay, it is expected to disrupt the last 45 amino acid(s) of the BBS1 protein. This variant is not present in population databases (gnomAD no frequency). This variant has not been reported in the literature in individuals affected with BBS1-related conditions. This variant disrupts a region of the BBS1 protein in which other variant(s) (p.Arg570*) have been determined to be pathogenic (PMID: 25170860, 28559085). This suggests that this is a clinically significant region of the protein, and that variants that disrupt it are likely to be disease-causing.

Literature cited by the submitters: PubMed 25170860; PubMed 28559085.

NM_024649.5(BBS1):c.1646del (p.Glu549fs)

Genes: BBS1 (Bardet-Biedl syndrome 1; plus strand), ZDHHC24 (zDHHC palmitoyltransferase 24; minus strand). Cytogenetic location: 11q13.2.
Variant type: Deletion.
Coding change: c.1646del on transcript NM_024649.5 (MANE Select); coding-DNA position 1646, one base deleted (A; older notation c.1646delA).
Protein change: p.Glu549fs; shifts the reading frame from glutamic acid 549.
Molecular consequence: frameshift variant. On other transcripts: intron variant (1).
Genome position (GRCh38, 1-based): chr11:66,531,693, A deleted. VCF-style (leftmost placement, unchanged base first): chr11-66531692-GA-G. GRCh37 (hg19) VCF-style: chr11-66299163-GA-G.
Other names: c.560-2205del (NM_001348571.2); short protein forms E549fs.
Identifiers: ClinVar variation 2856889 (VCV002856889.3), dbSNP rs2495847870, ClinGen allele CA2739270569.
Genomic context (GRCh38, chr11:66,531,692, plus strand): 5'-TTACTTCTTTGTCCCCAAACTTAGGTACCCTTGCTGGTGCCAGGGCTCAACTACCCCCTG[GA>G]GACCTTTGTGGAGAGTCTCAGTAACAAGGGCATCTCAGACATCATCAAGGTAGGCCCCGC-3'